The following is an entry in ClinVar:

ClinVar aggregate classification (germline): Uncertain significance (1 of 4 stars; one submission).

Conditions:
Ciliary dyskinesia, primary, 40. Also called: CILIARY DYSKINESIA, PRIMARY, 40, WITH OR WITHOUT SITUS INVERSUS. Identifiers: MedGen C4749028, MONDO:0032664, OMIM 618300.

Submission:

Johns Hopkins Genomics, Johns Hopkins University
Classification: Uncertain significance for Ciliary dyskinesia, primary, 40. Last evaluated: 2025-06-11. Review status: criteria provided, single submitter. Criteria: ACMG Guidelines, 2015. Collection method: clinical testing. Allele origin: germline.
Comment: This DNA9 missense variant (rs371343982) is rare (<0.1%) in a large population dataset (gnomADv4.1.0: 4/1614002 total alleles; 0.00025%; no homozygotes). It has not been reported in ClinVar nor in the literature in individuals diagnosed with primary ciliary dyskinesia, to our knowledge. Three bioinformatics tools queried predict that this substitution would be tolerated and the serine residue at this position is evolutionarily conserved across many of the species assessed. We consider the clinical significance of DNAH9 c.9671C>T to be uncertain at this time.

Literature cited by the submitters: PubMed 30471718.

NM_001372.4(DNAH9):c.9671C>T (p.Ser3224Leu)

Gene: DNAH9 (dynein axonemal heavy chain 9; plus strand). Cytogenetic location: 17p12.
Variant type: single nucleotide variant.
Coding change: c.9671C>T on transcript NM_001372.4 (MANE Select); coding-DNA position 9671, C replaced by T.
Protein change: p.Ser3224Leu; replaces serine 3224 with leucine.
Molecular consequence: missense variant.
Genome position (GRCh38, 1-based): chr17:11,854,166, C>T. VCF-style: chr17-11854166-C-T. GRCh37 (hg19) VCF-style: chr17-11757483-C-T.
Other names: short protein forms S3224L.
Identifiers: ClinVar variation 4280093 (VCV004280093.1).
Genomic context (GRCh38, chr17:11,854,166, plus strand): 5'-AGGACCGGAGCTGGAAGGCTGCTAAGGTCACCATGGCCAAAGTGGATGGCTTCCTGGACT[C>T]GCTAATAAACTTCAACAAAGAGAACATTCACGAGAACTGCCTCAAAGCCATCAGGCCGTA-3'
Protein context (NP_001363.2, residues 3214-3234): TMAKVDGFLD[Ser3224Leu]LINFNKENIH